The following is an entry in ClinVar:

ClinVar aggregate classification (germline): Conflicting classifications of pathogenicity. Review status: criteria provided, conflicting classifications (1 of 4 stars). 2 submissions from 2 submitters: Pathogenic (1); Uncertain significance (1). Last evaluated 2026-03-25.

Conditions:
Hereditary spastic paraplegia 30. Identifiers: Orphanet 101010, MedGen C5235139, MONDO:0012476.
Neuropathy, hereditary sensory, type 2C. Also called: KIF1A-Related HSAN2 (HSAN2C); Hereditary sensory and autonomic neuropathy type IIC. Identifiers: Orphanet 970, MedGen C3280168, MONDO:0013634, OMIM 614213.
Intellectual disability, autosomal dominant 9 (NESCAVS). Also called: NESCAV SYNDROME; KIF1A-Related Neurodevelopmental Disorder. Identifiers: Orphanet 662367, MedGen C5393830, MONDO:0013656, OMIM 614255.

Allele frequency attached by ClinVar (database versions not stated): gnomAD exomes below 0.00001; TOPMed below 0.00001; ExAC 0.00001; gnomAD 0.00001.
gnomAD v4.1: 2 of 1,580,958 alleles (0.00013%); highest among the groups gnomAD compares: Non-Finnish European, 0.00017%; no homozygotes.

Submissions (2):

GeneDx
Classification: Uncertain significance. Last evaluated: 2026-03-25. Review status: criteria provided, single submitter. Criteria: GeneDx Variant Classification Process June 2021. Collection method: clinical testing. Allele origin: germline.
Comment: Nonsense variant predicted to result in protein truncation or nonsense mediated decay in a gene for which loss of function is a known mechanism of disease; Has not been previously published as pathogenic or benign to our knowledge

Labcorp Genetics (formerly Invitae), Labcorp
Classification: Pathogenic for Hereditary spastic paraplegia 30; Neuropathy, hereditary sensory, type 2C; Intellectual disability, autosomal dominant 9. Last evaluated: 2018-06-20. Review status: criteria provided, single submitter. Criteria: Invitae Variant Classification Sherloc (09022015). Collection method: clinical testing. Allele origin: germline.
Comment: This sequence change creates a premature translational stop signal (p.Gln643*) in the KIF1A gene. It is expected to result in an absent or disrupted protein product. This variant is present in population databases (rs748477031, ExAC 0.002%). This variant has not been reported in the literature in individuals with KIF1A-related disease. Loss-of-function variants in KIF1A are known to be pathogenic (PMID: 21820098). For these reasons, this variant has been classified as Pathogenic.

Literature cited by the submitters: PubMed 21820098 (cited by Labcorp Genetics (formerly Invitae), Labcorp).

NM_001244008.2(KIF1A):c.1954C>T (p.Gln652Ter)

Gene: KIF1A (kinesin family member 1A; minus strand). Cytogenetic location: 2q37.3.
Variant type: single nucleotide variant.
Coding change: c.1954C>T on transcript NM_001244008.2 (MANE Select); coding-DNA position 1954, C replaced by T.
Protein change: p.Gln652Ter; replaces glutamine 652 with a stop codon.
Molecular consequence: nonsense.
Genome position (GRCh38, 1-based): chr2:240,763,087, G>A on the plus strand (C>T on the coding strand, the complement: KIF1A is on the minus strand). VCF-style: chr2-240763087-G-A. GRCh37 (hg19) VCF-style: chr2-241702504-G-A.
Other names: c.1954C>T, p.Gln652Ter (NM_001320705.2, NM_001330289.2, NM_001379638.1); c.1927C>T, p.Gln643Ter (NM_001379640.1, NM_001379641.1, NM_001379642.1 and 10 more transcripts); c.2029C>T, p.Gln677Ter (NM_001379646.1, NM_001330290.2, NM_001379631.1 and 2 more transcripts); c.2002C>T, p.Gln668Ter (NM_001379648.1, NM_001379637.1); short protein forms Q643*, Q652*, Q677*, Q668*.
Identifiers: ClinVar variation 568993 (VCV000568993.8), dbSNP rs748477031, ClinGen allele CA2208230.